The following is an entry in ClinVar:

NM_005070.4(SLC4A3):c.1703A>G (p.Tyr568Cys)

Gene: SLC4A3 (solute carrier family 4 member 3; plus strand). Cytogenetic location: 2q35.
Variant type: single nucleotide variant.
Coding change: c.1703A>G on transcript NM_005070.4 (MANE Select); coding-DNA position 1703, A replaced by G.
Protein change: p.Tyr568Cys; replaces tyrosine 568 with cysteine.
Molecular consequence: missense variant. On other transcripts: non-coding transcript variant (1).
Genome position (GRCh38, 1-based): chr2:219,634,561, A>G. VCF-style: chr2-219634561-A-G. GRCh37 (hg19) VCF-style: chr2-220499283-A-G.
Other names: p.Tyr595Cys; c.1784A>G, p.Tyr595Cys (NM_001326559.2, NM_201574.3); c.1703A>G, p.Tyr568Cys (NM_001438863.1); c.1109A>G, p.Tyr370Cys (NM_001438864.1); short protein forms Y568C, Y370C, Y595C.
Identifiers: ClinVar variation 4540813 (VCV004540813.1).

ClinVar aggregate classification (germline): Uncertain significance (1 of 4 stars; one submission).

gnomAD v4.1: 1 of 1,614,190 alleles (0.000062%); highest among the groups gnomAD compares: Non-Finnish European, 0.000085%; no homozygotes.

Submission:

Mayo Clinic Laboratories, Mayo Clinic
Classification: Uncertain significance. Last evaluated: 2025-07-07. Review status: criteria provided, single submitter. Criteria: ACMG Guidelines, 2015. Collection method: clinical testing. Allele origin: germline. Observed: 4 variant alleles.
Comment: PP3_strong, PM2_supporting

Literature cited by the submitters: PubMed 23506864; PubMed 26648873; PubMed 36806574; PubMed 39033175.